The following is an entry in ClinVar:

ClinVar aggregate classification (germline): Uncertain significance. Review status: criteria provided, multiple submitters, no conflicts (2 of 4 stars). 3 submissions from 3 submitters: Uncertain significance (3). Last evaluated 2024-12-17.

Conditions:
Inborn genetic diseases. Identifiers: MedGen C0950123, MeSH D030342.

Allele frequency attached by ClinVar (database versions not stated): TOPMed 0.00001.
gnomAD v4.1: 2 of 1,613,890 alleles (0.00012%); highest among the groups gnomAD compares: African/African-American, 0.0027%; no homozygotes.

Submissions (3):

Ambry Genetics
Classification: Uncertain significance for Inborn genetic diseases. Last evaluated: 2024-12-17. Review status: criteria provided, single submitter. Criteria: Ambry Variant Classification Scheme 2023. Collection method: clinical testing. Allele origin: germline.

Labcorp Genetics (formerly Invitae), Labcorp
Classification: Uncertain significance. Last evaluated: 2023-06-06. Review status: criteria provided, single submitter. Criteria: Invitae Variant Classification Sherloc (09022015). Collection method: clinical testing. Allele origin: germline.
Comment: This variant is present in population databases (no rsID available, gnomAD 0.007%). This variant has not been reported in the literature in individuals affected with COL4A1-related conditions. Experimental studies and prediction algorithms are not available or were not evaluated, and the functional significance of this variant is currently unknown. This sequence change replaces arginine, which is basic and polar, with lysine, which is basic and polar, at codon 1668 of the COL4A1 protein (p.Arg1668Lys). In summary, the available evidence is currently insufficient to determine the role of this variant in disease. Therefore, it has been classified as a Variant of Uncertain Significance.

GeneDx
Classification: Uncertain significance. Last evaluated: 2023-04-24. Review status: criteria provided, single submitter. Criteria: GeneDx Variant Classification Process June 2021. Collection method: clinical testing. Allele origin: germline. Affected: yes.
Comment: Has not been previously published as pathogenic or benign to our knowledge; Not observed at significant frequency in large population cohorts (gnomAD); In silico analysis supports that this missense variant does not alter protein structure/function

NM_001845.6(COL4A1):c.5003G>A (p.Arg1668Lys)

Gene: COL4A1 (collagen type IV alpha 1 chain; minus strand). Cytogenetic location: 13q34.
Variant type: single nucleotide variant.
Coding change: c.5003G>A on transcript NM_001845.6 (MANE Select); coding-DNA position 5003, G replaced by A.
Protein change: p.Arg1668Lys; replaces arginine 1668 with lysine.
Molecular consequence: missense variant.
Genome position (GRCh38, 1-based): chr13:110,150,370, C>T on the plus strand (G>A on the coding strand, the complement: COL4A1 is on the minus strand). VCF-style: chr13-110150370-C-T. GRCh37 (hg19) VCF-style: chr13-110802717-C-T.
Other names: short protein forms R1668K.
Identifiers: ClinVar variation 2663470 (VCV002663470.5), dbSNP rs751180466, ClinGen allele CA388653429.